The following is an entry in ClinVar:

NM_007118.4(TRIO):c.4431T>G (p.Asp1477Glu)

Gene: TRIO (trio Rho guanine nucleotide exchange factor; plus strand). Cytogenetic location: 5p15.2.
Variant type: single nucleotide variant.
Coding change: c.4431T>G on transcript NM_007118.4 (MANE Select); coding-DNA position 4431, T replaced by G.
Protein change: p.Asp1477Glu; replaces aspartic acid 1477 with glutamic acid.
Molecular consequence: missense variant. On other transcripts: non-coding transcript variant (1).
Genome position (GRCh38, 1-based): chr5:14,398,887, T>G. VCF-style: chr5-14398887-T-G. GRCh37 (hg19) VCF-style: chr5-14398996-T-G.
Other names: short protein forms D1477E.
Identifiers: ClinVar variation 1031138 (VCV001031138.1), dbSNP rs1338354694, ClinGen allele CA359233928.

ClinVar aggregate classification (germline): Uncertain significance (1 of 4 stars; one submission).

Conditions:
Intellectual developmental disorder, autosomal dominant 44, with microcephaly. Also called: Micrognathia-recurrent infections-behavioral abnormalities-mild intellectual disability syndrome; TRIO-Related Intellectual Disability. Identifiers: Orphanet 476126, MedGen C4310740, MONDO:0014892, OMIM 617061.

Allele frequency attached by ClinVar (database versions not stated): TOPMed 0.00001.
gnomAD v4.1: 1 of 1,611,898 alleles (0.000062%); no homozygotes.

Submission:

Baylor Genetics
Classification: Uncertain significance for Intellectual developmental disorder, autosomal dominant 44, with microcephaly. Last evaluated: 2019-09-11. Review status: criteria provided, single submitter. Criteria: ACMG Guidelines, 2015. Collection method: clinical testing. Allele origin: unknown. Affected: yes.
Comment: This variant was determined to be of uncertain significance according to ACMG Guidelines, 2015 [PMID:25741868].